The following is an entry in ClinVar:

ClinVar aggregate classification (germline): Uncertain significance. Review status: criteria provided, multiple submitters, no conflicts (2 of 4 stars). 3 submissions from 3 submitters: Uncertain significance (3). Last evaluated 2024-07-26.

Conditions:
Cardiovascular phenotype. Identifiers: MedGen CN230736.
Catecholaminergic polymorphic ventricular tachycardia 1. Also called: VENTRICULAR TACHYCARDIA, CATECHOLAMINERGIC POLYMORPHIC, 1, WITH OR WITHOUT ATRIAL DYSFUNCTION AND/OR DILATED CARDIOMYOPATHY; VENTRICULAR TACHYCARDIA, STRESS-INDUCED POLYMORPHIC 1; RYR2-Related Catecholaminergic Polymorphic Ventricular Tachycardia. Identifiers: Orphanet 3286, MedGen C1631597, MONDO:0011484, OMIM 604772.
Catecholaminergic polymorphic ventricular tachycardia (CVPT). Also called: Catecholamine-induced polymorphic ventricular tachycardia. Identifiers: Orphanet 3286, MedGen C5574922, MONDO:0017990.

Allele frequency attached by ClinVar (database versions not stated): TOPMed 0.00001.

Submissions (3):

Labcorp Genetics (formerly Invitae), Labcorp
Classification: Uncertain significance for Catecholaminergic polymorphic ventricular tachycardia 1. Last evaluated: 2024-07-26. Review status: criteria provided, single submitter. Criteria: Invitae Variant Classification Sherloc (09022015). Collection method: clinical testing. Allele origin: germline.
Comment: This sequence change replaces glutamic acid, which is acidic and polar, with alanine, which is neutral and non-polar, at codon 10 of the RYR2 protein (p.Glu10Ala). This variant is not present in population databases (gnomAD no frequency). This variant has not been reported in the literature in individuals affected with RYR2-related conditions. ClinVar contains an entry for this variant (Variation ID: 1491978). Advanced modeling of protein sequence and biophysical properties (such as structural, functional, and spatial information, amino acid conservation, physicochemical variation, residue mobility, and thermodynamic stability) performed at Invitae indicates that this missense variant is expected to disrupt RYR2 protein function with a positive predictive value of 95%. In summary, the available evidence is currently insufficient to determine the role of this variant in disease. Therefore, it has been classified as a Variant of Uncertain Significance.

All of Us Research Program, National Institutes of Health
Classification: Uncertain significance for Catecholaminergic polymorphic ventricular tachycardia. Last evaluated: 2023-11-30. Review status: criteria provided, single submitter. Criteria: ACMG Guidelines, 2015. Collection method: clinical testing. Allele origin: germline. Inheritance: Autosomal dominant inheritance. Observed: 3 variant alleles, 3 heterozygotes.
Comment: This missense variant replaces glutamic acid with alanine at codon 10 of the RYR2 protein. Computational prediction suggests that this variant may not impact protein structure and function (internally defined REVEL score threshold <= 0.5, PMID: 27666373). To our knowledge, functional studies have not been reported for this variant. This variant has not been reported in individuals affected with RYR2-related disorders in the literature. This variant has not been identified in the general population by the Genome Aggregation Database (gnomAD). The available evidence is insufficient to determine the role of this variant in disease conclusively. Therefore, this variant is classified as a Variant of Uncertain Significance.

This study involves interpretation of variants in research participants for the purpose of population health screening. Participant phenotype was not available at the time of variant classification. Additional details can be found in publication PMID: 35346344, PMCID: PMC8962531

Ambry Genetics
Classification: Uncertain significance for Cardiovascular phenotype. Last evaluated: 2023-08-02. Review status: criteria provided, single submitter. Criteria: Ambry Variant Classification Scheme 2023. Collection method: clinical testing. Allele origin: germline.
Comment: The p.E10A variant (also known as c.29A>C), located in coding exon 1 of the RYR2 gene, results from an A to C substitution at nucleotide position 29. The glutamic acid at codon 10 is replaced by alanine, an amino acid with dissimilar properties. This amino acid position is well conserved in available vertebrate species. In addition, the in silico prediction for this alteration is inconclusive. Since supporting evidence is limited at this time, the clinical significance of this alteration remains unclear.

NM_001035.3(RYR2):c.29A>C (p.Glu10Ala)

Gene: RYR2 (ryanodine receptor 2; plus strand). Cytogenetic location: 1q43.
Variant type: single nucleotide variant.
Coding change: c.29A>C on transcript NM_001035.3 (MANE Select); coding-DNA position 29, A replaced by C.
Protein change: p.Glu10Ala; replaces glutamic acid 10 with alanine.
Molecular consequence: missense variant.
Genome position (GRCh38, 1-based): chr1:237,042,550, A>C. VCF-style: chr1-237042550-A-C. GRCh37 (hg19) VCF-style: chr1-237205850-A-C.
Other names: c.29A>C (NM_001035.2); short protein forms E10A.
Identifiers: ClinVar variation 1491978 (VCV001491978.11), dbSNP rs1027423344, ClinGen allele CA39930531.